The following is an entry in ClinVar:

NM_000540.3(RYR1):c.10750G>C (p.Glu3584Gln)

Gene: RYR1 (ryanodine receptor 1; plus strand). Cytogenetic location: 19q13.2.
Variant type: single nucleotide variant.
Coding change: c.10750G>C on transcript NM_000540.3 (MANE Select); coding-DNA position 10750, G replaced by C.
Protein change: p.Glu3584Gln; replaces glutamic acid 3584 with glutamine.
Molecular consequence: missense variant.
Genome position (GRCh38, 1-based): chr19:38,527,710, G>C. VCF-style: chr19-38527710-G-C. GRCh37 (hg19) VCF-style: chr19-39018350-G-C.
Other names: NM_001042723.2:c.10735G>C; c.10735G>C, p.Glu3579Gln (NM_001042723.2); short protein forms E3579Q, E3584Q.
Identifiers: ClinVar variation 1213683 (VCV001213683.3), dbSNP rs1600930723, ClinGen allele CA405646836.

ClinVar aggregate classification (germline): Uncertain significance (3 of 4 stars; one submission).

Conditions:
Malignant hyperthermia, susceptibility to, 1 (MHS1). Also called: RYR1-Related Malignant Hyperthermia Susceptibility; Anesthesia related hyperthermia; Malignant hyperpyrexia; Fulminating hyperpyrexia; Pharmacogenic myopathy; Malignant hyperthermia suceptibility 1. Identifiers: Orphanet 423, MedGen C2930980, MONDO:0007783, OMIM 145600.

Submission:

ClinGen Malignant Hyperthermia Susceptibility Variant Curation Expert Panel, ClinGen
Classification: Uncertain significance for Malignant hyperthermia, susceptibility to, 1. Last evaluated: 2025-08-01. Review status: reviewed by expert panel. Criteria: ClinGen MHS ACMG Specifications V2. Collection method: curation. Allele origin: germline. Inheritance: Autosomal dominant inheritance.
Comment: This pathogenicity assessment is relevant only for malignant hyperthermia susceptibility (MHS) inherited in an autosomal dominant pattern. Variants in RYR1 can also cause other myopathies inherited in an autosomal dominant pattern or in an autosomal recessive pattern. Some of these disorders may predispose individuals to malignant hyperthermia. RYR1 variants may also contribute to a malignant hyperthermia reaction in combination with other genetic and non-genetic factors and the clinician needs to consider such factors in making management decisions. This sequence variant predicts a substitution of glutamic acid with glutamine at codon 3584 of the RYR1 protein, p.(Glu3584Gln). This variant was not present in a large population database (gnomAD) at the time this variant was interpreted. This variant has been reported in an individual noted to have malignant hyperthermia (MH) without details on a clear personal or family history of an MH episode and without a clear in vitro contracture test (IVCT) or caffeine halothane contracture test (CHCT) result (PMID:16917943). No functional studies were identified for this variant. This variant does not reside in a hotspot for pathogenic variants that contribute to MHS. A REVEL score of 0.798 supports neither a pathogenic nor a benign status for this variant. This variant has been classified as a Variant of Unknown Significance. No criteria implemented.